The following is an entry in ClinVar:

NM_015404.4(WHRN):c.584C>T (p.Ser195Phe)

Gene: WHRN (whirlin; minus strand). Cytogenetic location: 9q32.
Variant type: single nucleotide variant.
Coding change: c.584C>T on transcript NM_015404.4 (MANE Select); coding-DNA position 584, C replaced by T.
Protein change: p.Ser195Phe; replaces serine 195 with phenylalanine.
Molecular consequence: missense variant.
Genome position (GRCh38, 1-based): chr9:114,504,218, G>A on the plus strand (C>T on the coding strand, the complement: WHRN is on the minus strand). VCF-style: chr9-114504218-G-A. GRCh37 (hg19) VCF-style: chr9-117266498-G-A.
Other names: c.584C>T, p.Ser195Phe (NM_001173425.2); short protein forms S195F.
Identifiers: ClinVar variation 1907665 (VCV001907665.2), dbSNP rs2493902540, ClinGen allele CA374611729.

ClinVar aggregate classification (germline): Uncertain significance (1 of 4 stars; one submission).

Submission:

Labcorp Genetics (formerly Invitae), Labcorp
Classification: Uncertain significance. Last evaluated: 2022-07-26. Review status: criteria provided, single submitter. Criteria: Invitae Variant Classification Sherloc (09022015). Collection method: clinical testing. Allele origin: germline.
Comment: This sequence change replaces serine, which is neutral and polar, with phenylalanine, which is neutral and non-polar, at codon 195 of the WHRN protein (p.Ser195Phe). This variant is not present in population databases (gnomAD no frequency). This variant has not been reported in the literature in individuals affected with WHRN-related conditions. Algorithms developed to predict the effect of missense changes on protein structure and function are either unavailable or do not agree on the potential impact of this missense change (SIFT: "Tolerated"; PolyPhen-2: "Possibly Damaging"; Align-GVGD: "Class C0"). In summary, the available evidence is currently insufficient to determine the role of this variant in disease. Therefore, it has been classified as a Variant of Uncertain Significance.